The following is an entry in ClinVar:

NM_022489.4(INF2):c.3747G>A (p.Gln1249=)

Gene: INF2 (inverted formin 2; plus strand). Cytogenetic location: 14q32.33.
Variant type: single nucleotide variant.
Coding change: c.3747G>A on transcript NM_022489.4 (MANE Select); coding-DNA position 3747, G replaced by A.
Protein change: p.Gln1249=; no amino-acid change (glutamine 1249 retained).
Molecular consequence: synonymous variant. On other transcripts: intron variant (1).
Genome position (GRCh38, 1-based): chr14:104,715,336, G>A. VCF-style: chr14-104715336-G-A. GRCh37 (hg19) VCF-style: chr14-105181673-G-A.
Other names: p.Gln1249=; c.3694+480G>A (NM_001031714.4).
Identifiers: ClinVar variation 261621 (VCV000261621.13), dbSNP rs149939482, ClinGen allele CA7373382.
Genomic context (GRCh38, chr14:104,715,336, plus strand): 5'-GGAAGCAGAGGTTCCCCCTGATTCTGATGATAATAAAACAAAGAAACTGTGTGTGATCCA[G>A]TAAGGTATGTACGCAGCCGGCGCTCCGTGGGGGCTAACAGCAGCTGCAGGGCAGTGGGGC-3'
Protein context (NP_071934.3, residues 1239-1249): DNKTKKLCVI[Gln1249=]

ClinVar aggregate classification (germline): Benign/Likely benign. Review status: criteria provided, multiple submitters, no conflicts (2 of 4 stars). 4 submissions from 4 submitters: Benign (2); Likely benign (2). Last evaluated 2025-10-08.

Conditions:
Charcot-Marie-Tooth disease dominant intermediate E. Also called: CHARCOT-MARIE-TOOTH NEUROPATHY WITH FOCAL SEGMENTAL GLOMERULONEPHRITIS. Identifiers: Orphanet 93114, MedGen C4302667, MONDO:0013758, OMIM 614455.
Focal segmental glomerulosclerosis 5 (FSGS5). Identifiers: Orphanet 656, MedGen C2750475, MONDO:0013191, OMIM 613237.

Allele frequency attached by ClinVar (database versions not stated): gnomAD exomes 0.00002 and 0.00009; ExAC 0.00016; ESP Exome Variant Server 0.00032; gnomAD 0.00036 and 0.00041; TOPMed 0.00039; 1000 Genomes Project 30x 0.00109; 1000 Genomes Project 0.00140.

Submissions (4):

Mayo Clinic Laboratories, Mayo Clinic
Classification: Likely benign. Last evaluated: 2025-10-08. Review status: criteria provided, single submitter. Criteria: ACMG Guidelines, 2015. Collection method: clinical testing. Allele origin: germline. Observed: 3 variant alleles.
Comment: BP4, BP7

Labcorp Genetics (formerly Invitae), Labcorp
Classification: Benign for Charcot-Marie-Tooth disease dominant intermediate E; Focal segmental glomerulosclerosis 5. Last evaluated: 2025-08-17. Review status: criteria provided, single submitter. Criteria: Invitae Variant Classification Sherloc (09022015). Collection method: clinical testing. Allele origin: germline.

Blueprint Genetics
Classification: Likely benign. Last evaluated: 2024-08-12. Review status: criteria provided, single submitter. Criteria: ACMG Guidelines, 2015. Collection method: clinical testing. Allele origin: germline.

PreventionGenetics, part of Exact Sciences
Classification: Benign. Review status: criteria provided, single submitter. Criteria: ACMG Guidelines, 2015. Collection method: clinical testing. Allele origin: germline.